The following is an entry in ClinVar:

ClinVar aggregate classification (germline): Uncertain significance (1 of 4 stars; one submission).

Allele frequency attached by ClinVar (database versions not stated): gnomAD exomes below 0.00001.
gnomAD v4.1: 2 of 1,613,828 alleles (0.00012%); highest among the groups gnomAD compares: Non-Finnish European, 0.00017%; no homozygotes.

Submission:

Labcorp Genetics (formerly Invitae), Labcorp
Classification: Uncertain significance. Last evaluated: 2022-06-13. Review status: criteria provided, single submitter. Criteria: Invitae Variant Classification Sherloc (09022015). Collection method: clinical testing. Allele origin: germline.
Comment: In summary, the available evidence is currently insufficient to determine the role of this variant in disease. Therefore, it has been classified as a Variant of Uncertain Significance. Algorithms developed to predict the effect of missense changes on protein structure and function output the following: SIFT: "Deleterious"; PolyPhen-2: "Benign"; Align-GVGD: "Class C0". The glutamic acid amino acid residue is found in multiple mammalian species, which suggests that this missense change does not adversely affect protein function. This variant has not been reported in the literature in individuals affected with PCDH15-related conditions. This variant is not present in population databases (gnomAD no frequency). This sequence change replaces glycine, which is neutral and non-polar, with glutamic acid, which is acidic and polar, at codon 1468 of the PCDH15 protein (p.Gly1468Glu).

NM_033056.4(PCDH15):c.4403G>A (p.Gly1468Glu)

Gene: PCDH15 (protocadherin related 15; minus strand). Cytogenetic location: 10q21.1.
Variant type: single nucleotide variant.
Coding change: c.4403G>A on transcript NM_033056.4 (MANE Plus Clinical); coding-DNA position 4403, G replaced by A.
Protein change: p.Gly1468Glu; replaces glycine 1468 with glutamic acid.
Molecular consequence: missense variant. On other transcripts: intron variant (8).
Genome position (GRCh38, 1-based): chr10:53,823,323, C>T on the plus strand (G>A on the coding strand, the complement: PCDH15 is on the minus strand). VCF-style: chr10-53823323-C-T. GRCh37 (hg19) VCF-style: chr10-55583083-C-T.
Other names: c.4368-3093G>A (NM_001384140.1); c.4373+1813G>A (NM_001142772.2, NM_001142770.3); c.4388+1813G>A (NM_001142771.2); c.4388+4070G>A (NM_001354411.2); c.4409+1813G>A (NM_001142769.3); c.4424G>A, p.Gly1475Glu (NM_001142763.2); c.4409G>A, p.Gly1470Glu (NM_001142764.2); c.4196G>A, p.Gly1399Glu (NM_001142765.2); and 6 more; short protein forms G1445E, G1446E, G1448E, G1465E, G1470E, G1475E, G1399E, G1428E.
Identifiers: ClinVar variation 1442553 (VCV001442553.9), dbSNP rs1193544017, ClinGen allele CA376527409.